The following is an entry in ClinVar:

ClinVar aggregate classification (germline): Benign/Likely benign. Review status: criteria provided, multiple submitters, no conflicts (2 of 4 stars). 13 submissions from 13 submitters: Benign (7); Likely benign (3). 3 of the submissions do not count toward it. Last evaluated 2026-09-01.

Conditions:
Nemaline myopathy 2 (NEM2). Also called: Nemaline myopathy 2, autosomal recessive. Identifiers: MedGen C1850569, MONDO:0009725, OMIM 256030.

Allele frequency attached by ClinVar (database versions not stated): 1000 Genomes Project 0.00499; 1000 Genomes Project 30x 0.00531; gnomAD 0.00793; TOPMed 0.00835; ESP Exome Variant Server 0.00964.
gnomAD v4.1: 18,042 of 1,567,582 alleles (1.2%); highest among the groups gnomAD compares: Middle Eastern, 1.3%; 141 homozygotes.

Submissions (13):

CeGaT Center for Human Genetics Tuebingen
Classification: Benign. Last evaluated: 2026-09-01. Review status: criteria provided, single submitter. Criteria: CeGaT Center For Human Genetics Tuebingen Variant Classification Criteria Version 2. Collection method: clinical testing. Allele origin: germline. Affected: yes. Observed: 37 variant alleles.
Comment: NEB: BP4, BS1, BS2

Labcorp Genetics (formerly Invitae), Labcorp
Classification: Benign for Nemaline myopathy 2. Last evaluated: 2026-02-04. Review status: criteria provided, single submitter. Criteria: Invitae Variant Classification Sherloc (09022015). Collection method: clinical testing. Allele origin: germline.

Blueprint Genetics
Classification: Likely benign. Last evaluated: 2024-11-26. Review status: criteria provided, single submitter. Criteria: ACMG Guidelines, 2015. Collection method: clinical testing. Allele origin: germline.

Mayo Clinic Laboratories, Mayo Clinic
Classification: Benign. Last evaluated: 2023-02-13. Review status: criteria provided, single submitter. Criteria: ACMG Guidelines, 2015. Collection method: clinical testing. Allele origin: germline. Observed: 10 variant alleles.
Comment: BS1, BS2, BP4, BP7

Women's Health and Genetics/Laboratory Corporation of America, LabCorp
Classification: Benign. Last evaluated: 2022-05-03. Review status: criteria provided, single submitter. Criteria: LabCorp Variant Classification Summary - May 2015. Collection method: clinical testing. Allele origin: germline.

Athena Diagnostics
Classification: Benign. Last evaluated: 2017-06-07. Review status: criteria provided, single submitter. Criteria: Athena Diagnostics Criteria. Collection method: clinical testing. Allele origin: germline.

GeneDx
Classification: Benign. Last evaluated: 2017-01-31. Review status: criteria provided, single submitter. Criteria: GeneDx Variant Classification (06012015). Collection method: clinical testing. Allele origin: germline. Affected: yes.
Comment: This variant is considered likely benign or benign based on one or more of the following criteria: it is a conservative change, it occurs at a poorly conserved position in the protein, it is predicted to be benign by multiple in silico algorithms, and/or has population frequency not consistent with disease.

Laboratory for Molecular Medicine, Mass General Brigham Personalized Medicine
Classification: Benign. Last evaluated: 2014-11-24. Review status: criteria provided, single submitter. Criteria: LMM Criteria. Collection method: clinical testing. Allele origin: germline. Observed: 1 variant allele.
Comment: 24313-7C>T in intron 171 of NEB: This variant is not expected to have clinical s ignificance because it has been identified in 1.3% (42/3182) of European America n chromosomes from a broad population by the NHLBI Exome Sequencing Project (dbSNP rs113048349).

Breakthrough Genomics
Classification: Likely benign. Review status: criteria provided, single submitter. Criteria: ACMG Guidelines, 2015. Collection method: not provided. Allele origin: germline. Inheritance: Autosomal recessive inheritance. Affected: yes.

PreventionGenetics, part of Exact Sciences
Classification: Likely benign. Review status: criteria provided, single submitter. Criteria: ACMG Guidelines, 2015. Collection method: clinical testing. Allele origin: germline.

Natera, Inc.
Classification: Benign for Nemaline myopathy type 2. Last evaluated: 2020-09-16. Review status: no assertion criteria provided. Collection method: clinical testing. Allele origin: germline. Not counted in ClinVar's aggregate classification.

Genome Diagnostics Laboratory, University Medical Center Utrecht
Classification: Benign. Review status: no assertion criteria provided. Collection method: clinical testing. Allele origin: germline. Affected: yes. Study: VKGL Data-share Consensus. Not counted in ClinVar's aggregate classification.

Laboratory of Diagnostic Genome Analysis, Leiden University Medical Center (LUMC)
Classification: Likely benign. Review status: no assertion criteria provided. Collection method: clinical testing. Allele origin: germline. Affected: yes. Study: VKGL Data-share Consensus. Not counted in ClinVar's aggregate classification.

NM_001164508.2(NEB):c.24208-7C>T

Genes: NEB (nebulin; minus strand), RIF1 (replication timing regulatory factor 1; plus strand). Cytogenetic location: 2q23.3.
Variant type: single nucleotide variant.
Coding change: c.24208-7C>T on transcript NM_001164508.2 (MANE Select); 7 bases into the intron before coding-DNA position 24208, C replaced by T.
Molecular consequence: intron variant.
Genome position (GRCh38, 1-based): chr2:151,497,725, G>A on the plus strand (C>T on the coding strand, the complement: NEB is on the minus strand). VCF-style: chr2-151497725-G-A. GRCh37 (hg19) VCF-style: chr2-152354239-G-A.
Other names: p.?; c.18826-1357C>T (NM_004543.5); c.24208-7C>T (NM_001164507.2); c.24313-7C>T (NM_001271208.2).
Identifiers: ClinVar variation 226844 (VCV000226844.52), dbSNP rs113048349, ClinGen allele CA1906123.